The following is an entry in ClinVar:

ClinVar aggregate classification (germline): Uncertain significance (1 of 4 stars; one submission).

Allele frequency attached by ClinVar (database versions not stated): gnomAD 0.00001.
gnomAD v4.1: 2 of 1,613,960 alleles (0.00012%); highest among the groups gnomAD compares: Admixed American, 0.0033%; no homozygotes.

Submission:

Labcorp Genetics (formerly Invitae), Labcorp
Classification: Uncertain significance. Last evaluated: 2022-07-26. Review status: criteria provided, single submitter. Criteria: Invitae Variant Classification Sherloc (09022015). Collection method: clinical testing. Allele origin: germline.
Comment: This sequence change replaces valine, which is neutral and non-polar, with leucine, which is neutral and non-polar, at codon 51 of the ACBD5 protein (p.Val51Leu). In summary, the available evidence is currently insufficient to determine the role of this variant in disease. Therefore, it has been classified as a Variant of Uncertain Significance. Algorithms developed to predict the effect of missense changes on protein structure and function (SIFT, PolyPhen-2, Align-GVGD) all suggest that this variant is likely to be disruptive. ClinVar contains an entry for this variant (Variation ID: 1041665). This variant has not been reported in the literature in individuals affected with ACBD5-related conditions. This variant is not present in population databases (gnomAD no frequency).

NM_145698.5(ACBD5):c.151G>T (p.Val51Leu)

Genes: ACBD5 (acyl-CoA binding domain containing 5; minus strand), LOC130003557 (ATAC-STARR-seq lymphoblastoid active region 3182; plus strand). Cytogenetic location: 10p12.1.
Variant type: single nucleotide variant.
Coding change: c.151G>T on transcript NM_145698.5 (MANE Select); coding-DNA position 151, G replaced by T.
Protein change: p.Val51Leu; replaces valine 51 with leucine.
Molecular consequence: missense variant. On other transcripts: 5 prime UTR variant (7).
Genome position (GRCh38, 1-based): chr10:27,240,349, C>A on the plus strand (G>T on the coding strand, the complement: ACBD5 is on the minus strand). VCF-style: chr10-27240349-C-A. GRCh37 (hg19) VCF-style: chr10-27529278-C-A.
Other names: c.46G>T, p.Val16Leu (NM_001042473.4, NM_001352574.2, NM_001352575.2 and 6 more transcripts); c.145G>T, p.Val49Leu (NM_001271512.3, NM_001352571.1, NM_001352586.1 and 1 more transcripts); c.-56G>T (NM_001301251.2, NM_001301252.2, NM_001301253.2 and 4 more transcripts); c.172G>T, p.Val58Leu (NM_001352568.1, NM_001352572.1); c.151G>T, p.Val51Leu (NM_001352569.1, NM_001352570.1, NM_001352573.1 and 2 more transcripts); short protein forms V16L, V49L, V51L, V58L.
Identifiers: ClinVar variation 1041665 (VCV001041665.11), dbSNP rs2065325952, ClinGen allele CA376378643.